The following is an entry in ClinVar:

NM_001270.4(CHD1):c.1671T>G (p.Asn557Lys)

Gene: CHD1 (chromodomain helicase DNA binding protein 1; minus strand). Cytogenetic location: 5q15.
Variant type: single nucleotide variant.
Coding change: c.1671T>G on transcript NM_001270.4 (MANE Select); coding-DNA position 1671, T replaced by G.
Protein change: p.Asn557Lys; replaces asparagine 557 with lysine.
Molecular consequence: missense variant. On other transcripts: non-coding transcript variant (2).
Genome position (GRCh38, 1-based): chr5:98,896,265, A>C on the plus strand (T>G on the coding strand, the complement: CHD1 is on the minus strand). VCF-style: chr5-98896265-A-C. GRCh37 (hg19) VCF-style: chr5-98231969-A-C.
Other names: c.1671T>G, p.Asn557Lys (NM_001364113.3, NM_001376194.2); short protein forms N557K.
Identifiers: ClinVar variation 3902063 (VCV003902063.3).

ClinVar aggregate classification (germline): Uncertain significance. Review status: criteria provided, multiple submitters, no conflicts (2 of 4 stars). 2 submissions from 2 submitters: Uncertain significance (2). Last evaluated 2025-09-02.

Conditions:
Pilarowski-Bjornsson syndrome. Also called: DEVELOPMENTAL DELAY AND SPEECH APRAXIA WITH OR WITHOUT SEIZURES. Identifiers: Orphanet 529965, MedGen C4540131, MONDO:0060568, OMIM 617682.

Submissions (2):

Dasa
Classification: Uncertain significance for Pilarowski-Bjornsson syndrome. Last evaluated: 2025-09-02. Review status: criteria provided, single submitter. Criteria: DASA Assertion Criteria. Collection method: clinical testing. Allele origin: germline.
Comment: NM_001270.4(CHD1):c.1671T>G (p.Asn557Lys) is a missense variant that results in the substitution of asparagine with lysine. This variant is absent from population databases. Computational prediction algorithms are consistent with a deleterious effect. The currently available literature and clinical evidence are not sufficient to establish a definitive association between this variant and the reported condition. Therefore, this variant is classified as a variant of uncertain significance.

Laboratorio de Genetica e Diagnostico Molecular, Hospital Israelita Albert Einstein
Classification: Uncertain significance for Pilarowski-Bjornsson syndrome. Last evaluated: 2024-09-20. Review status: criteria provided, single submitter. Criteria: ACMG Guidelines, 2015. Collection method: clinical testing. Allele origin: germline. Affected: yes.
Comment: ACMG classification criteria: PM2 supporting, PP2 supporting, PP3 supporting